The following is an entry in ClinVar:

NM_000275.3(OCA2):c.1888T>A (p.Leu630Met)

Gene: OCA2 (OCA2 melanosomal transmembrane protein; minus strand). Cytogenetic location: 15q13.1.
Variant type: single nucleotide variant.
Coding change: c.1888T>A on transcript NM_000275.3 (MANE Select); coding-DNA position 1888, T replaced by A.
Protein change: p.Leu630Met; replaces leucine 630 with methionine.
Molecular consequence: missense variant.
Genome position (GRCh38, 1-based): chr15:27,951,847, A>T on the plus strand (T>A on the coding strand, the complement: OCA2 is on the minus strand). VCF-style: chr15-27951847-A-T. GRCh37 (hg19) VCF-style: chr15-28196993-A-T.
Other names: c.1816T>A, p.Leu606Met (NM_001300984.2); short protein forms L630M, L606M.
Identifiers: ClinVar variation 2312627 (VCV002312627.4), dbSNP rs1204760169, ClinGen allele CA391364448.

ClinVar aggregate classification (germline): Uncertain significance. Review status: criteria provided, multiple submitters, no conflicts (2 of 4 stars). 3 submissions from 3 submitters: Uncertain significance (3). Last evaluated 2026-01-14.

Conditions:
Inborn genetic diseases. Identifiers: MedGen C0950123, MeSH D030342.
Tyrosinase-positive oculocutaneous albinism (OCA2). Also called: ALBINISM II; Oculocutaneous albinism type 2; Albinism, oculocutaneous, type II. Identifiers: Orphanet 79432, MedGen C0268495, MONDO:0008746, OMIM 203200.

Allele frequency attached by ClinVar (database versions not stated): gnomAD exomes below 0.00001; gnomAD 0.00001; TOPMed 0.00001.
gnomAD v4.1: 4 of 1,613,976 alleles (0.00025%); highest among the groups gnomAD compares: African/African-American, 0.0053%; no homozygotes.

Submissions (3):

Myriad Genetics, Inc.
Classification: Uncertain significance for Tyrosinase-positive oculocutaneous albinism. Last evaluated: 2026-01-14. Review status: criteria provided, single submitter. Criteria: Myriad Autosomal Dominant, Autosomal Recessive and X-Linked Classification Criteria (2023). Collection method: clinical testing. Allele origin: unknown.
Comment: NM_000275.2(OCA2):c.1888T>A(L630M) is a missense variant classified as a variant of uncertain significance in the context of oculocutaneous albinism, OCA2-related. L630M has been observed in a case with relevant disease (PMID: 34838614). Relevant functional assessments of this variant are not available in the literature. L630M has not been observed in referenced population frequency databases. In summary, there is insufficient evidence to classify NM_000275.2(OCA2):c.1888T>A(L630M) as pathogenic or benign. Please note: this variant was assessed in the context of healthy population screening.

Women's Health and Genetics/Laboratory Corporation of America, LabCorp
Classification: Uncertain significance. Last evaluated: 2025-05-06. Review status: criteria provided, single submitter. Criteria: LabCorp Variant Classification Summary - May 2015. Collection method: clinical testing. Allele origin: germline.
Comment: Variant summary: OCA2 c.1888T>A (p.Leu630Met) results in a conservative amino acid change in the encoded protein sequence. Algorithms developed to predict the effect of missense changes on protein structure and function are either unavailable or do not agree on the potential impact of this missense change. The variant was absent in 251416 control chromosomes. The available data on variant occurrences in the general population are insufficient to allow any conclusion about variant significance. c.1888T>A has been observed in the presumed compound heterozygous state in individual(s) affected with Oculocutaneous Albinism (example, Wei_2022). These data do not allow any conclusion about variant significance. To our knowledge, no experimental evidence demonstrating an impact on protein function has been reported. The following publication has been ascertained in the context of this evaluation (PMID: 34838614). ClinVar contains an entry for this variant (Variation ID: 2312627). Based on the evidence outlined above, the variant was classified as uncertain significance.

Ambry Genetics
Classification: Uncertain significance for Inborn genetic diseases. Last evaluated: 2022-09-19. Review status: criteria provided, single submitter. Criteria: Ambry Variant Classification Scheme 2023. Collection method: clinical testing. Allele origin: germline.

Literature cited by the submitters: PubMed 34838614 (cited by Myriad Genetics, Inc. and Women's Health and Genetics/Laboratory Corporation of America, LabCorp).